The following is an entry in ClinVar:

ClinVar aggregate classification (germline): Uncertain significance. Review status: criteria provided, multiple submitters, no conflicts (2 of 4 stars). 4 submissions from 4 submitters: Uncertain significance (4). Last evaluated 2025-04-12.

Conditions:
Hypertrophic cardiomyopathy 20. Identifiers: MedGen C3151267, MONDO:0013477, OMIM 613876.
Dilated cardiomyopathy 1CC (CMD1CC). Identifiers: Orphanet 154, MedGen C2751084, MONDO:0013147, OMIM 613122.
Cardiovascular phenotype. Identifiers: MedGen CN230736.

Allele frequency attached by ClinVar (database versions not stated): TOPMed 0.00002; gnomAD exomes 0.00001 and below 0.00001; gnomAD 0.00003.
gnomAD v4.1: 24 of 1,613,734 alleles (0.0015%); highest among the groups gnomAD compares: Middle Eastern, 0.016%; no homozygotes.

Submissions (4):

Ambry Genetics
Classification: Uncertain significance for Cardiovascular phenotype. Last evaluated: 2025-04-12. Review status: criteria provided, single submitter. Criteria: Ambry Variant Classification Scheme 2023. Collection method: clinical testing. Allele origin: germline.
Comment: The p.R273C variant (also known as c.817C>T), located in coding exon 7 of the NEXN gene, results from a C to T substitution at nucleotide position 817. The arginine at codon 273 is replaced by cysteine, an amino acid with highly dissimilar properties. This amino acid position is highly conserved in available vertebrate species. In addition, the in silico prediction for this alteration is inconclusive. Since supporting evidence is limited at this time, the clinical significance of this alteration remains unclear.

Mayo Clinic Laboratories, Mayo Clinic
Classification: Uncertain significance. Last evaluated: 2025-02-22. Review status: criteria provided, single submitter. Criteria: ACMG Guidelines, 2015. Collection method: clinical testing. Allele origin: germline. Observed: 1 variant allele.
Comment: PM2_supporting

Fulgent Genetics
Classification: Uncertain significance for Dilated cardiomyopathy 1CC; Hypertrophic cardiomyopathy 20. Last evaluated: 2021-08-25. Review status: criteria provided, single submitter. Criteria: ACMG Guidelines, 2015. Collection method: clinical testing. Allele origin: unknown.

GeneDx
Classification: Uncertain significance. Last evaluated: 2020-10-05. Review status: criteria provided, single submitter. Criteria: GeneDx Variant Classification Process June 2021. Collection method: clinical testing. Allele origin: germline. Affected: yes.
Comment: Has not been previously published as pathogenic or benign to our knowledge; Not observed at a significant frequency in large population cohorts (Lek et al., 2016); In silico analysis, which includes protein predictors and evolutionary conservation, supports a deleterious effect; Reported in ClinVar as a variant of uncertain significance (ClinVar Variant ID# 263645; Landrum et al., 2016)

NM_144573.4(NEXN):c.817C>T (p.Arg273Cys)

Gene: NEXN (nexilin F-actin binding protein; plus strand). Cytogenetic location: 1p31.1.
Variant type: single nucleotide variant.
Coding change: c.817C>T on transcript NM_144573.4 (MANE Select); coding-DNA position 817, C replaced by T.
Protein change: p.Arg273Cys; replaces arginine 273 with cysteine.
Molecular consequence: missense variant.
Genome position (GRCh38, 1-based): chr1:77,926,845, C>T. VCF-style: chr1-77926845-C-T. GRCh37 (hg19) VCF-style: chr1-78392530-C-T.
Other names: p.Arg273Cys; c.625C>T, p.Arg209Cys (NM_001172309.2); short protein forms R273C, R209C.
Identifiers: ClinVar variation 263645 (VCV000263645.11), dbSNP rs757571525, ClinGen allele CA10587439.